The following is an entry in ClinVar:

ClinVar aggregate classification (germline): Uncertain significance (1 of 4 stars; one submission).

Conditions:
Congenital muscular dystrophy due to integrin alpha-7 deficiency. Also called: Congenital muscular dystrophy with integrin alpha-7 deficiency; Muscular dystrophy, congenital, due to ITGA7 deficiency; MYOPATHY, CONGENITAL, DUE TO INTEGRIN ALPHA-7 DEFICIENCY. Identifiers: Orphanet 34520, MedGen C2750786, MONDO:0013177, OMIM 613204.

Allele frequency attached by ClinVar (database versions not stated): gnomAD exomes below 0.00001 and 0.00001; gnomAD 0.00001; TOPMed 0.00001.
gnomAD v4.1: 3 of 1,612,276 alleles (0.00019%); highest among the groups gnomAD compares: Admixed American, 0.005%; no homozygotes.

Submission:

Labcorp Genetics (formerly Invitae), Labcorp
Classification: Uncertain significance for Congenital muscular dystrophy due to integrin alpha-7 deficiency. Last evaluated: 2020-02-14. Review status: criteria provided, single submitter. Criteria: Invitae Variant Classification Sherloc (09022015). Collection method: clinical testing. Allele origin: germline.
Comment: This variant is not present in population databases (ExAC no frequency). This sequence change replaces leucine with proline at codon 1118 of the ITGA7 protein (p.Leu1118Pro). The leucine residue is weakly conserved and there is a moderate physicochemical difference between leucine and proline. This variant has not been reported in the literature in individuals with ITGA7-related conditions. Algorithms developed to predict the effect of missense changes on protein structure and function are either unavailable or do not agree on the potential impact of this missense change (SIFT: "Tolerated"; PolyPhen-2: "Probably Damaging"; Align-GVGD: "Class C0"). In summary, the available evidence is currently insufficient to determine the role of this variant in disease. Therefore, it has been classified as a Variant of Uncertain Significance.

NM_002206.3(ITGA7):c.3353T>C (p.Leu1118Pro)

Gene: ITGA7 (integrin subunit alpha 7; minus strand). Cytogenetic location: 12q13.2.
Variant type: single nucleotide variant.
Coding change: c.3353T>C on transcript NM_002206.3 (MANE Select); coding-DNA position 3353, T replaced by C.
Protein change: p.Leu1118Pro; replaces leucine 1118 with proline.
Molecular consequence: missense variant.
Genome position (GRCh38, 1-based): chr12:55,685,119, A>G on the plus strand (T>C on the coding strand, the complement: ITGA7 is on the minus strand). VCF-style: chr12-55685119-A-G. GRCh37 (hg19) VCF-style: chr12-56078903-A-G.
Other names: c.3365T>C, p.Leu1122Pro (NM_001144996.2); c.3074T>C, p.Leu1025Pro (NM_001144997.2); c.3026T>C, p.Leu1009Pro (NM_001367993.1); c.2009T>C, p.Leu670Pro (NM_001367994.1); c.3335T>C, p.Leu1112Pro (NM_001374465.1); c.3485T>C, p.Leu1162Pro (NM_001410977.1); c.3347T>C, p.Leu1116Pro (NM_001414029.1); c.3278T>C, p.Leu1093Pro (NM_001414030.1); and 5 more; short protein forms L1009P, L1118P, L1025P, L670P, L1112P, L1122P, L1162P, L1043P.
Identifiers: ClinVar variation 960657 (VCV000960657.8), dbSNP rs1321072683, ClinGen allele CA385180073.